The following is an entry in ClinVar:

ClinVar aggregate classification (germline): Uncertain significance (1 of 4 stars; one submission).

Conditions:
Gastrointestinal stromal tumor. Also called: Gastrointestinal stroma tumor; Gastrointestinal stromal tumor, somatic. Identifiers: Orphanet 44890, MedGen C0238198, MeSH D046152, MONDO:0011719, OMIM 606764, HP:0100723.

Allele frequency attached by ClinVar (database versions not stated): gnomAD 0.00003.
gnomAD v4.1: 1 of 1,614,066 alleles (0.000062%); highest among the groups gnomAD compares: East Asian, 0.0022%; no homozygotes.

Submission:

Labcorp Genetics (formerly Invitae), Labcorp
Classification: Uncertain significance for Gastrointestinal stromal tumor. Last evaluated: 2017-10-13. Review status: criteria provided, single submitter. Criteria: Invitae Variant Classification Sherloc (09022015). Collection method: clinical testing. Allele origin: germline.
Comment: In summary, the available evidence is currently insufficient to determine the role of this variant in disease. Therefore, it has been classified as a Variant of Uncertain Significance. Algorithms developed to predict the effect of missense changes on protein structure and function (SIFT, PolyPhen-2, Align-GVGD) all suggest that this variant is likely to be tolerated, but these predictions have not been confirmed by published functional studies and their clinical significance is uncertain. This variant has not been reported in the literature in individuals with PDGFRA-related disease. This variant is not present in population databases (ExAC no frequency). This sequence change replaces leucine with proline at codon 41 of the PDGFRA protein (p.Leu41Pro). The leucine residue is moderately conserved and there is a moderate physicochemical difference between leucine and proline.

NM_006206.6(PDGFRA):c.122T>C (p.Leu41Pro)

Gene: PDGFRA (platelet derived growth factor receptor alpha; plus strand). Cytogenetic location: 4q12.
Variant type: single nucleotide variant.
Coding change: c.122T>C on transcript NM_006206.6 (MANE Select); coding-DNA position 122, T replaced by C.
Protein change: p.Leu41Pro; replaces leucine 41 with proline.
Molecular consequence: missense variant.
Genome position (GRCh38, 1-based): chr4:54,261,167, T>C. VCF-style: chr4-54261167-T-C. GRCh37 (hg19) VCF-style: chr4-55127334-T-C.
Other names: c.122T>C, p.Leu41Pro (NM_001347827.2, NM_001347829.2); c.197T>C, p.Leu66Pro (NM_001347828.2); c.161T>C, p.Leu54Pro (NM_001347830.2); short protein forms L41P, L54P, L66P.
Identifiers: ClinVar variation 528576 (VCV000528576.9), dbSNP rs1341010273, ClinGen allele CA356888294.